The following is an entry in ClinVar:

NM_000091.5(COL4A3):c.4552del (p.Asp1518fs)

Genes: COL4A3 (collagen type IV alpha 3 chain; plus strand), MFF-DT (MFF divergent transcript; minus strand). Cytogenetic location: 2q36.3.
Variant type: Deletion.
Coding change: c.4552del on transcript NM_000091.5 (MANE Select); coding-DNA position 4552, one base deleted (G; older notation c.4552delG).
Protein change: p.Asp1518fs; shifts the reading frame from aspartic acid 1518.
Molecular consequence: frameshift variant.
Genome position (GRCh38, 1-based): chr2:227,308,988, G deleted. VCF-style (leftmost placement, unchanged base first): chr2-227308987-TG-T. GRCh37 (hg19) VCF-style: chr2-228173703-TG-T.
Other names: short protein forms D1518fs.
Identifiers: ClinVar variation 5014419 (VCV005014419.1).

ClinVar aggregate classification (germline): Pathogenic (1 of 4 stars; one submission).

Conditions:
Alport syndrome. Also called: Hemorrhagic familial nephritis; Hemorrhagic hereditary nephritis; Congenital hereditary hematuria. Identifiers: Orphanet 63, MedGen C1567741, MONDO:0018965.

Submission:

Myriad Genetics, Inc.
Classification: Pathogenic for Alport syndrome. Last evaluated: 2025-05-10. Review status: criteria provided, single submitter. Criteria: Myriad Autosomal Dominant, Autosomal Recessive and X-Linked Classification Criteria (2023). Collection method: clinical testing. Allele origin: unknown.
Comment: NM_000091.4(COL4A3):c.4552delG(D1518Ifs*11) is expected to be pathogenic in the context of Alport syndrome, COL4A3-related. This variant is predicted to lead to an abnormal or absent protein product due to the creation of a premature termination codon in COL4A3, a gene where loss-of-function variants are known to be pathogenic. Please note: this variant was assessed in the context of healthy population screening.